The following is an entry in ClinVar:

ClinVar aggregate classification (germline): Uncertain significance (1 of 4 stars; one submission).

gnomAD v4.1: 6 of 1,613,930 alleles (0.00037%); highest among the groups gnomAD compares: Admixed American, 0.01%; no homozygotes.

Submission:

Labcorp Genetics (formerly Invitae), Labcorp
Classification: Uncertain significance. Last evaluated: 2025-09-17. Review status: criteria provided, single submitter. Criteria: Invitae Variant Classification Sherloc (09022015). Collection method: clinical testing. Allele origin: germline.
Comment: This sequence change replaces methionine, which is neutral and non-polar, with valine, which is neutral and non-polar, at codon 433 of the EFTUD2 protein (p.Met433Val). This variant is present in population databases (rs781370570, gnomAD 0.009%). This variant has not been reported in the literature in individuals affected with EFTUD2-related conditions. Invitae Evidence Modeling of protein sequence and biophysical properties (such as structural, functional, and spatial information, amino acid conservation, physicochemical variation, residue mobility, and thermodynamic stability) indicates that this missense variant is expected to disrupt EFTUD2 protein function with a positive predictive value of 80%. In summary, the available evidence is currently insufficient to determine the role of this variant in disease. Therefore, it has been classified as a Variant of Uncertain Significance.

NM_004247.4(EFTUD2):c.1297A>G (p.Met433Val)

Gene: EFTUD2 (elongation factor Tu GTP binding domain containing 2; minus strand). Cytogenetic location: 17q21.31.
Variant type: single nucleotide variant.
Coding change: c.1297A>G on transcript NM_004247.4 (MANE Select); coding-DNA position 1297, A replaced by G.
Protein change: p.Met433Val; replaces methionine 433 with valine.
Molecular consequence: missense variant.
Genome position (GRCh38, 1-based): chr17:44,863,771, T>C on the plus strand (A>G on the coding strand, the complement: EFTUD2 is on the minus strand). VCF-style: chr17-44863771-T-C. GRCh37 (hg19) VCF-style: chr17-42941139-T-C.
Other names: c.1192A>G, p.Met398Val (NM_001142605.2); c.1297A>G, p.Met433Val (NM_001258353.2); c.1267A>G, p.Met423Val (NM_001258354.2); short protein forms M423V, M398V, M433V.
Identifiers: ClinVar variation 4693913 (VCV004693913.1).